The following is an entry in ClinVar:

NM_005430.4(WNT1):c.887C>T (p.Pro296Leu)

Gene: WNT1 (Wnt family member 1; plus strand). Cytogenetic location: 12q13.12.
Variant type: single nucleotide variant.
Coding change: c.887C>T on transcript NM_005430.4 (MANE Select); coding-DNA position 887, C replaced by T.
Protein change: p.Pro296Leu; replaces proline 296 with leucine.
Molecular consequence: missense variant.
Genome position (GRCh38, 1-based): chr12:48,981,414, C>T. VCF-style: chr12-48981414-C-T. GRCh37 (hg19) VCF-style: chr12-49375197-C-T.
Other names: short protein forms P296L.
Identifiers: ClinVar variation 4819328 (VCV004819328.1).
Genomic context (GRCh38, chr12:48,981,414, plus strand): 5'-CGGAAGACCCGGCCCACAAACCGCCCTCCCCCCACGACCTCGTCTACTTCGAGAAATCGC[C>T]CAACTTCTGCACGTACAGCGGACGCCTGGGCACAGCAGGCACGGCAGGGCGCGCCTGTAA-3'
Protein context (NP_005421.1, residues 286-306): PHDLVYFEKS[Pro296Leu]NFCTYSGRLG

ClinVar aggregate classification (germline): Likely pathogenic (1 of 4 stars; one submission).

Conditions:
Osteogenesis imperfecta type 15. Also called: OI, TYPE XV; WNT1-related osteogenesis imperfecta; Osteogenesis imperfecta, type xv. Identifiers: Orphanet 666, MedGen C3808844, MONDO:0014086, OMIM 615220.

Submission:

Clinical Biomedical Laboratory, Shriners Hospital For Children - Canada
Classification: Likely pathogenic for Osteogenesis imperfecta type 15. Review status: criteria provided, single submitter. Criteria: ACMG Guidelines, 2015. Collection method: clinical testing. Allele origin: germline. Affected: yes.
Comment: This variant is predicted to substitute a proline residue by a leucine residue. This variant is absent from the Genome Aggregation Database v2.1.1, indicating it is very rare. Computational tools (SIFT = 0, damaging; Polyphen-2 = 1.0, detrimental; PhyloP = 6.01 conserved) suggest that the amino acid is conserved and that the change is detrimental to protein function. Based on the ACMG variant interpretation guidelines, the available evidence supports classification of this variant as likely pathogenic.